The following is an entry in ClinVar:

NM_022455.5(NSD1):c.4701C>A (p.His1567Gln)

Gene: NSD1 (nuclear receptor binding SET domain protein 1; plus strand). Cytogenetic location: 5q35.3.
Variant type: single nucleotide variant.
Coding change: c.4701C>A on transcript NM_022455.5 (MANE Select); coding-DNA position 4701, C replaced by A.
Protein change: p.His1567Gln; replaces histidine 1567 with glutamine.
Molecular consequence: missense variant.
Genome position (GRCh38, 1-based): chr5:177,251,789, C>A. VCF-style: chr5-177251789-C-A. GRCh37 (hg19) VCF-style: chr5-176678790-C-A.
Other names: c.3828C>A, p.His1276Gln (NM_001365684.2, NM_001409306.1, NM_001409307.1 and 3 more transcripts); c.4701C>A, p.His1567Gln (NM_001409301.1, NM_001409302.1, NM_001409303.1); c.4281C>A, p.His1427Gln (NM_001409304.1); c.3948C>A, p.His1316Gln (NM_001409305.1); short protein forms H1298Q, H1567Q, H1276Q, H1316Q, H1427Q.
Identifiers: ClinVar variation 1315121 (VCV001315121.3), dbSNP rs2149904507, ClinGen allele CA362351915.

ClinVar aggregate classification (germline): Uncertain significance (1 of 4 stars; one submission).

Submission:

GeneDx
Classification: Uncertain significance. Last evaluated: 2025-12-18. Review status: criteria provided, single submitter. Criteria: GeneDx Variant Classification Process June 2021. Collection method: clinical testing. Allele origin: germline. Affected: yes.
Comment: Not observed at significant frequency in large population cohorts (gnomAD); In silico analysis, which includes protein predictors and evolutionary conservation, supports a deleterious effect; Has not been previously published as pathogenic or benign to our knowledge